The following is an entry in ClinVar:

ClinVar aggregate classification (germline): Uncertain significance (1 of 4 stars; one submission).

Conditions:
Peroxisome biogenesis disorder, complementation group K (CGK). Identifiers: MedGen C1866257, MONDO:0800365.

Allele frequency attached by ClinVar (database versions not stated): gnomAD 0.00001; TOPMed below 0.00001.
gnomAD v4.1: 15 of 1,613,362 alleles (0.00093%); highest among the groups gnomAD compares: African/African-American, 0.0027%; no homozygotes.

Submission:

Labcorp Genetics (formerly Invitae), Labcorp
Classification: Uncertain significance for Peroxisome biogenesis disorder, complementation group K. Last evaluated: 2022-08-01. Review status: criteria provided, single submitter. Criteria: Invitae Variant Classification Sherloc (09022015). Collection method: clinical testing. Allele origin: germline.
Comment: This sequence change replaces arginine, which is basic and polar, with glutamine, which is neutral and polar, at codon 351 of the PEX14 protein (p.Arg351Gln). This variant is not present in population databases (gnomAD no frequency). This variant has not been reported in the literature in individuals affected with PEX14-related conditions. ClinVar contains an entry for this variant (Variation ID: 1368923). Algorithms developed to predict the effect of missense changes on protein structure and function are either unavailable or do not agree on the potential impact of this missense change (SIFT: "Tolerated"; PolyPhen-2: "Possibly Damaging"; Align-GVGD: "Class C0"). In summary, the available evidence is currently insufficient to determine the role of this variant in disease. Therefore, it has been classified as a Variant of Uncertain Significance.

NM_004565.3(PEX14):c.1052G>A (p.Arg351Gln)

Gene: PEX14 (peroxisomal biogenesis factor 14; plus strand). Cytogenetic location: 1p36.22.
Variant type: single nucleotide variant.
Coding change: c.1052G>A on transcript NM_004565.3 (MANE Select); coding-DNA position 1052, G replaced by A.
Protein change: p.Arg351Gln; replaces arginine 351 with glutamine.
Molecular consequence: missense variant.
Genome position (GRCh38, 1-based): chr1:10,629,905, G>A. VCF-style: chr1-10629905-G-A. GRCh37 (hg19) VCF-style: chr1-10689962-G-A.
Other names: short protein forms R351Q.
Identifiers: ClinVar variation 1368923 (VCV001368923.5), dbSNP rs960056444, ClinGen allele CA338339638.